The following is an entry in ClinVar:

NM_001164508.2(NEB):c.22507_22508insTT (p.Glu7503fs)

Genes: NEB (nebulin; minus strand), RIF1 (replication timing regulatory factor 1; plus strand). Cytogenetic location: 2q23.3.
Variant type: Insertion.
Coding change: c.22507_22508insTT on transcript NM_001164508.2 (MANE Select); coding-DNA positions 22507 to 22508, TT inserted.
Protein change: p.Glu7503fs; shifts the reading frame from glutamic acid 7503.
Molecular consequence: frameshift variant.
Genome position: GRCh38 VCF-style: chr2-151519740-T-TAA. GRCh37 (hg19) VCF-style: chr2-152376254-T-TAA.
Other names: c.22507_22508insTT, p.Glu7503fs (NM_001164507.2); c.22612_22613insTT, p.Glu7538fs (NM_001271208.2); c.17404_17405insTT, p.Glu5802fs (NM_004543.5); short protein forms E5802fs, E7503fs, E7538fs.
Identifiers: ClinVar variation 4814754 (VCV004814754.1).
Genomic context (GRCh38, chr2:151,519,740, plus strand): 5'-TCTTTCATGACTTTGTAGAGCTGGCTGTCTTTTGGATTGTATTTTGGTGTCTTGCCCTTT[T>TAA]CTTTATCGAAATTTTCTCGGTATTTAACCTAACAGCAAATGCAAACATCCAAATTATTCC-3'

ClinVar aggregate classification (germline): Likely pathogenic (1 of 4 stars; one submission).

Conditions:
Nemaline myopathy 2 (NEM2). Also called: Nemaline myopathy 2, autosomal recessive. Identifiers: MedGen C1850569, MONDO:0009725, OMIM 256030.

Submission:

Natera, Inc.
Classification: Likely pathogenic for Nemaline myopathy type 2. Last evaluated: 2025-09-02. Review status: criteria provided, single submitter. Criteria: Natera Variant Classification Schema (03/2026). Collection method: clinical testing. Allele origin: germline.
Comment: The c.22612_22613insTT variant in NEB is a frameshift variant predicted to shift the reading frame beginning at codon 7538 and leads to a stop codon 20 codons downstream. This variant is expected to result in nonsense mediated decay, truncation, or a dysfunctional protein product. This variant is rare in the general population with a frequency below the threshold expected for the associated phenotype(s). Given the available evidence, this variant is classified as Likely Pathogenic.